The following is an entry in ClinVar:

NM_015338.6(ASXL1):c.2347C>A (p.Pro783Thr)

Gene: ASXL1 (ASXL transcriptional regulator 1; plus strand). Cytogenetic location: 20q11.21.
Variant type: single nucleotide variant.
Coding change: c.2347C>A on transcript NM_015338.6 (MANE Select); coding-DNA position 2347, C replaced by A.
Protein change: p.Pro783Thr; replaces proline 783 with threonine.
Molecular consequence: missense variant.
Genome position (GRCh38, 1-based): chr20:32,435,059, C>A. VCF-style: chr20-32435059-C-A. GRCh37 (hg19) VCF-style: chr20-31022862-C-A.
Other names: c.2164C>A, p.Pro722Thr (NM_001363734.1); short protein forms P783T, P722T.
Identifiers: ClinVar variation 3791855 (VCV003791855.1).

ClinVar aggregate classification (germline): Uncertain significance (1 of 4 stars; one submission).

Conditions:
Inborn genetic diseases. Identifiers: MedGen C0950123, MeSH D030342.

Submission:

Ambry Genetics
Classification: Uncertain significance for Inborn genetic diseases. Last evaluated: 2025-01-03. Review status: criteria provided, single submitter. Criteria: Ambry Variant Classification Scheme 2023. Collection method: clinical testing. Allele origin: germline.
Comment: The p.P783T variant (also known as c.2347C>A), located in coding exon 13 of the ASXL1 gene, results from a C to A substitution at nucleotide position 2347. The proline at codon 783 is replaced by threonine, an amino acid with highly similar properties. This amino acid position is conserved. In addition, this alteration is predicted to be tolerated by in silico analysis. Based on the available evidence, the clinical significance of this variant remains unclear.